The following is an entry in ClinVar:

ClinVar aggregate classification (germline): Uncertain significance (1 of 4 stars; one submission).

gnomAD v4.1: 1 of 1,613,202 alleles (0.000062%); highest among the groups gnomAD compares: Admixed American, 0.0017%; no homozygotes.

Submission:

Labcorp Genetics (formerly Invitae), Labcorp
Classification: Uncertain significance. Last evaluated: 2025-11-18. Review status: criteria provided, single submitter. Criteria: Invitae Variant Classification Sherloc (09022015). Collection method: clinical testing. Allele origin: germline.
Comment: This sequence change replaces glutamic acid, which is acidic and polar, with glycine, which is neutral and non-polar, at codon 516 of the SETD5 protein (p.Glu516Gly). This variant is present in population databases (no rsID available, gnomAD 0.003%). This variant has not been reported in the literature in individuals affected with SETD5-related conditions. Invitae Evidence Modeling of protein sequence and biophysical properties (such as structural, functional, and spatial information, amino acid conservation, physicochemical variation, residue mobility, and thermodynamic stability) indicates that this missense variant is expected to disrupt SETD5 protein function with a positive predictive value of 80%. In summary, the available evidence is currently insufficient to determine the role of this variant in disease. Therefore, it has been classified as a Variant of Uncertain Significance.

NM_001080517.3(SETD5):c.1547A>G (p.Glu516Gly)

Gene: SETD5 (SET domain containing 5; plus strand). Cytogenetic location: 3p25.3.
Variant type: single nucleotide variant.
Coding change: c.1547A>G on transcript NM_001080517.3 (MANE Select); coding-DNA position 1547, A replaced by G.
Protein change: p.Glu516Gly; replaces glutamic acid 516 with glycine.
Molecular consequence: missense variant.
Genome position (GRCh38, 1-based): chr3:9,447,072, A>G. VCF-style: chr3-9447072-A-G. GRCh37 (hg19) VCF-style: chr3-9488756-A-G.
Other names: c.1253A>G, p.Glu418Gly (NM_001292043.2, NM_001349451.2); c.1643A>G, p.Glu548Gly (NM_001437633.1); c.1604A>G, p.Glu535Gly (NM_001437635.1); c.1547A>G, p.Glu516Gly (NM_001437643.1); c.1586A>G, p.Glu529Gly (NM_001437701.1); short protein forms E516G, E548G, E418G, E529G, E535G.
Identifiers: ClinVar variation 4779147 (VCV004779147.1).